The following is an entry in ClinVar:

NM_001037171.2(ACOT9):c.593A>G (p.His198Arg)

Gene: ACOT9 (acyl-CoA thioesterase 9; minus strand). Cytogenetic location: Xp22.11.
Variant type: single nucleotide variant.
Coding change: c.593A>G on transcript NM_001037171.2 (MANE Select); coding-DNA position 593, A replaced by G.
Protein change: p.His198Arg; replaces histidine 198 with arginine.
Molecular consequence: missense variant.
Genome position (GRCh38, 1-based): chrX:23,713,204, T>C on the plus strand (A>G on the coding strand, the complement: ACOT9 is on the minus strand). VCF-style: chrX-23713204-T-C. GRCh37 (hg19) VCF-style: chrX-23731321-T-C.
Other names: p.His198Arg; c.566A>G, p.His189Arg (NM_001033583.3); c.386A>G, p.His129Arg (NM_001330259.2); short protein forms H129R, H189R, H198R.
Identifiers: ClinVar variation 1205932 (VCV001205932.5), dbSNP rs148179443, ClinGen allele CA10369651.

ClinVar aggregate classification (germline): Likely benign. Review status: criteria provided, multiple submitters, no conflicts (2 of 4 stars). 5 submissions from 5 submitters: Likely benign (2). 3 of the submissions do not count toward it. Last evaluated 2025-08-20.

Allele frequency attached by ClinVar (database versions not stated): gnomAD exomes 0.00298 and 0.00517; 1000 Genomes Project 30x 0.00062; 1000 Genomes Project 0.00079; ExAC 0.00315; gnomAD 0.00354 and 0.00370; TOPMed 0.00385; ESP Exome Variant Server 0.00511.
gnomAD v4.1: 5,973 of 1,195,817 alleles (0.5%); highest among the groups gnomAD compares: Non-Finnish European, 0.61%; 14 homozygotes.

Submissions (5):

Mayo Clinic Laboratories, Mayo Clinic
Classification: Likely benign. Last evaluated: 2025-08-20. Review status: criteria provided, single submitter. Criteria: ACMG Guidelines, 2015. Collection method: clinical testing. Allele origin: germline. Observed: 1 variant allele.
Comment: BS2, BP4_moderate

Breakthrough Genomics
Classification: Likely benign. Review status: criteria provided, single submitter. Criteria: ACMG Guidelines, 2015. Collection method: not provided. Allele origin: germline. Inheritance: Unknown mechanism. Affected: yes.

Clinical Genetics DNA and cytogenetics Diagnostics Lab, Erasmus MC, Erasmus Medical Center
Classification: Likely benign. Review status: no assertion criteria provided. Collection method: clinical testing. Allele origin: germline. Affected: yes. Study: VKGL Data-share Consensus. Not counted in ClinVar's aggregate classification.

Genome Diagnostics Laboratory, University Medical Center Utrecht
Classification: Likely benign. Review status: no assertion criteria provided. Collection method: clinical testing. Allele origin: germline. Affected: yes. Study: VKGL Data-share Consensus. Not counted in ClinVar's aggregate classification.

Laboratory of Diagnostic Genome Analysis, Leiden University Medical Center (LUMC)
Classification: Likely benign. Review status: no assertion criteria provided. Collection method: clinical testing. Allele origin: germline. Affected: yes. Study: VKGL Data-share Consensus. Not counted in ClinVar's aggregate classification.